The following is an entry in ClinVar:

NM_001009944.3(PKD1):c.6173A>C (p.Gln2058Pro)

Gene: PKD1 (polycystin 1, transient receptor potential channel interacting; minus strand). Cytogenetic location: 16p13.3.
Variant type: single nucleotide variant.
Coding change: c.6173A>C on transcript NM_001009944.3 (MANE Select); coding-DNA position 6173, A replaced by C.
Protein change: p.Gln2058Pro; replaces glutamine 2058 with proline.
Molecular consequence: missense variant.
Genome position (GRCh38, 1-based): chr16:2,108,994, T>G on the plus strand (A>C on the coding strand, the complement: PKD1 is on the minus strand). VCF-style: chr16-2108994-T-G. GRCh37 (hg19) VCF-style: chr16-2158995-T-G.
Other names: c.6173A>C, p.Gln2058Pro (NM_000296.4); short protein forms Q2058P.
Identifiers: ClinVar variation 2619899 (VCV002619899.6), dbSNP rs746817602, ClinGen allele CA394374127.

ClinVar aggregate classification (germline): Uncertain significance. Review status: criteria provided, multiple submitters, no conflicts (2 of 4 stars). 3 submissions from 3 submitters: Uncertain significance (3). Last evaluated 2025-04-22.

Conditions:
Inborn genetic diseases. Identifiers: MedGen C0950123, MeSH D030342.
PKD1-related disorder. Also called: PKD1-related condition.

Submissions (3):

PreventionGenetics, part of Exact Sciences
Classification: Uncertain significance for PKD1-related condition. Last evaluated: 2025-04-22. Review status: criteria provided, single submitter. Criteria: ACMG Guidelines, 2015. Collection method: clinical testing. Allele origin: germline.
Comment: The PKD1 c.6173A>C variant is predicted to result in the amino acid substitution p.Gln2058Pro. This variant has not been reported in a large population database (gnomAD), indicating this variant is rare. The p.Gln2058 residue is highly conserved during evolution. This variant has been reported in an individual with autosomal dominant polycystic kidney disease (ADPKD), and it was classified as likely pathogenic at the Mayo Clinic (Ali et al. 2023. PubMed ID: 36755831). Although we suspect this variant is pathogenic, at this time, the clinical significance of this variant is uncertain due to the absence of conclusive functional and genetic evidence.

GeneDx
Classification: Uncertain significance. Last evaluated: 2024-03-05. Review status: criteria provided, single submitter. Criteria: GeneDx Variant Classification Process June 2021. Collection method: clinical testing. Allele origin: germline. Affected: yes.
Comment: Not observed at significant frequency in large population cohorts (gnomAD); In silico analysis supports that this missense variant has a deleterious effect on protein structure/function; This variant is associated with the following publications: (PMID: 36755831)

Ambry Genetics
Classification: Uncertain significance for Inborn genetic diseases. Last evaluated: 2023-08-30. Review status: criteria provided, single submitter. Criteria: Ambry Variant Classification Scheme 2023. Collection method: clinical testing. Allele origin: germline.

Literature cited by the submitters: PubMed 36755831 (cited by Ambry Genetics).